The following is an entry in ClinVar:

ClinVar aggregate classification (germline): Conflicting classifications of pathogenicity. Review status: criteria provided, conflicting classifications (1 of 4 stars). 3 submissions from 3 submitters: Uncertain significance (1); Likely benign (1). 1 of the submissions does not count toward it. Last evaluated 2024-05-13.

Conditions:
Nephrolithiasis/nephrocalcinosis. Identifiers: MedGen CN580796.
Familial hypocalciuric hypercalcemia 1. Also called: Hypercalcemia, familial benign type 1. Identifiers: Orphanet 405, Orphanet 93372, MedGen C0342637, MONDO:0007791, OMIM 145980.
Familial hypocalciuric hypercalcemia (FHH). Also called: Familial benign hypercalcemia. Identifiers: Orphanet 405, MedGen C1809471, MONDO:0018458.
Autosomal dominant hypocalcemia 1 (HYPOC1). Also called: HYPOCALCEMIA, FAMILIAL. Identifiers: MedGen C3715128, MONDO:0011013, OMIM 601198.

Allele frequency attached by ClinVar (database versions not stated): gnomAD exomes 0.00001 and below 0.00001; TOPMed 0.00001.
gnomAD v4.1: 14 of 1,614,060 alleles (0.00087%); highest among the groups gnomAD compares: Non-Finnish European, 0.0012%; no homozygotes.

Submissions (3):

Labcorp Genetics (formerly Invitae), Labcorp
Classification: Likely benign for Familial hypocalciuric hypercalcemia; Autosomal dominant hypocalcemia 1. Last evaluated: 2024-05-13. Review status: criteria provided, single submitter. Criteria: Invitae Variant Classification Sherloc (09022015). Collection method: clinical testing. Allele origin: germline.

Ambry Genetics
Classification: Uncertain significance for Nephrolithiasis/nephrocalcinosis. Last evaluated: 2023-12-26. Review status: criteria provided, single submitter. Criteria: Ambry Variant Classification Scheme 2023. Collection method: clinical testing. Allele origin: germline.
Comment: The p.E999A variant (also known as c.2996A>C), located in coding exon 6 of the CASR gene, results from an A to C substitution at nucleotide position 2996. The glutamic acid at codon 999 is replaced by alanine, an amino acid with dissimilar properties. This amino acid position is highly conserved in available vertebrate species. In addition, this alteration is predicted to be deleterious by in silico analysis. In addition, the evidence for the gene-disease relationship is limited for pancreatitis and cancer predisposition; therefore, the clinical significance of this variant for CASR-related pancreatitis and cancer predisposition is unclear. Since supporting evidence is limited at this time, the clinical significance of this alteration remains unclear.

Cardiovascular Genetics Laboratory, PathWest Laboratory Medicine WA - Fiona Stanley Hospital
Classification: Uncertain significance for Familial hypocalciuric hypercalcemia 1. Last evaluated: 2023-05-12. Review status: no assertion criteria provided. Criteria: ACMG Guidelines, 2015. Collection method: clinical testing. Allele origin: germline. Not counted in ClinVar's aggregate classification.

NM_000388.4(CASR):c.2996A>C (p.Glu999Ala)

Gene: CASR (calcium sensing receptor; plus strand). Cytogenetic location: 3q21.1.
Variant type: single nucleotide variant.
Coding change: c.2996A>C on transcript NM_000388.4 (MANE Select); coding-DNA position 2996, A replaced by C.
Protein change: p.Glu999Ala; replaces glutamic acid 999 with alanine.
Molecular consequence: missense variant.
Genome position (GRCh38, 1-based): chr3:122,284,950, A>C. VCF-style: chr3-122284950-A-C. GRCh37 (hg19) VCF-style: chr3-122003797-A-C.
Other names: c.3026A>C, p.Glu1009Ala (NM_001178065.2); short protein forms E999A, E1009A.
Identifiers: ClinVar variation 463943 (VCV000463943.11), dbSNP rs201052958, ClinGen allele CA82749408.